The following is an entry in ClinVar:

ClinVar aggregate classification (germline): Uncertain significance. Review status: criteria provided, multiple submitters, no conflicts (2 of 4 stars). 2 submissions from 2 submitters: Uncertain significance (2). Last evaluated 2026-01-07.

Conditions:
Renal cell carcinoma. Identifiers: Orphanet 217071, MedGen C0007134, MeSH D002292, MONDO:0005086, HP:0005584.
Hereditary cancer-predisposing syndrome. Also called: Tumor predisposition; Hereditary neoplastic syndrome; Hereditary Cancer Syndrome; Neoplastic Syndromes, Hereditary. Identifiers: Orphanet 140162, MedGen C0027672, MeSH D009386, MONDO:0015356.

Submissions (2):

Labcorp Genetics (formerly Invitae), Labcorp
Classification: Uncertain significance for Renal cell carcinoma. Last evaluated: 2026-01-07. Review status: criteria provided, single submitter. Criteria: Invitae Variant Classification Sherloc (09022015). Collection method: clinical testing. Allele origin: germline.
Comment: This sequence change replaces asparagine, which is neutral and polar, with tyrosine, which is neutral and polar, at codon 382 of the MET protein (p.Asn382Tyr). This variant is not present in population databases (gnomAD no frequency). This variant has not been reported in the literature in individuals affected with MET-related conditions. ClinVar contains an entry for this variant (Variation ID: 935802). Invitae Evidence Modeling of protein sequence and biophysical properties (such as structural, functional, and spatial information, amino acid conservation, physicochemical variation, residue mobility, and thermodynamic stability) indicates that this missense variant is not expected to disrupt MET protein function with a negative predictive value of 80%. In summary, the available evidence is currently insufficient to determine the role of this variant in disease. Therefore, it has been classified as a Variant of Uncertain Significance.

Ambry Genetics
Classification: Uncertain significance for Hereditary cancer-predisposing syndrome. Last evaluated: 2024-10-28. Review status: criteria provided, single submitter. Criteria: Ambry Variant Classification Scheme 2023. Collection method: clinical testing. Allele origin: germline.
Comment: The p.N382Y variant (also known as c.1144A>T), located in coding exon 1 of the MET gene, results from an A to T substitution at nucleotide position 1144. The asparagine at codon 382 is replaced by tyrosine, an amino acid with dissimilar properties. This amino acid position is conserved. In addition, the in silico prediction for this alteration is inconclusive. Based on the available evidence, the clinical significance of this variant remains unclear.

NM_000245.4(MET):c.1144A>T (p.Asn382Tyr)

Gene: MET (MET proto-oncogene, receptor tyrosine kinase; plus strand). Cytogenetic location: 7q31.2.
Variant type: single nucleotide variant.
Coding change: c.1144A>T on transcript NM_000245.4 (MANE Select); coding-DNA position 1144, A replaced by T.
Protein change: p.Asn382Tyr; replaces asparagine 382 with tyrosine.
Molecular consequence: missense variant. On other transcripts: intron variant (1).
Genome position (GRCh38, 1-based): chr7:116,700,228, A>T. VCF-style: chr7-116700228-A-T. GRCh37 (hg19) VCF-style: chr7-116340282-A-T.
Other names: c.1144A>T, p.Asn382Tyr (NM_001127500.3, NM_001324401.3); c.-91+27651A>T (NM_001324402.2); short protein forms N382Y.
Identifiers: ClinVar variation 935802 (VCV000935802.10), dbSNP rs1791522873, ClinGen allele CA368970638.